The following is an entry in ClinVar:

NM_030957.4(ADAMTS10):c.137G>A (p.Arg46His)

Gene: ADAMTS10 (ADAM metallopeptidase with thrombospondin type 1 motif 10; minus strand). Cytogenetic location: 19p13.2.
Variant type: single nucleotide variant.
Coding change: c.137G>A on transcript NM_030957.4 (MANE Select); coding-DNA position 137, G replaced by A.
Protein change: p.Arg46His; replaces arginine 46 with histidine.
Molecular consequence: missense variant.
Genome position (GRCh38, 1-based): chr19:8,605,310, C>T on the plus strand (G>A on the coding strand, the complement: ADAMTS10 is on the minus strand). VCF-style: chr19-8605310-C-T. GRCh37 (hg19) VCF-style: chr19-8670195-C-T.
Other names: c.137G>A (NM_030957.2); short protein forms R46H.
Identifiers: ClinVar variation 1466003 (VCV001466003.5), dbSNP rs782414885, ClinGen allele CA9160921.

ClinVar aggregate classification (germline): Uncertain significance. Review status: criteria provided, multiple submitters, no conflicts (2 of 4 stars). 2 submissions from 2 submitters: Uncertain significance (2). Last evaluated 2024-10-22.

Conditions:
Inborn genetic diseases. Identifiers: MedGen C0950123, MeSH D030342.

Allele frequency attached by ClinVar (database versions not stated): gnomAD exomes 0.00002; ExAC 0.00004.
gnomAD v4.1: 137 of 1,610,832 alleles (0.0085%); highest among the groups gnomAD compares: Middle Eastern, 0.016%; no homozygotes.

Submissions (2):

Labcorp Genetics (formerly Invitae), Labcorp
Classification: Uncertain significance. Last evaluated: 2024-10-22. Review status: criteria provided, single submitter. Criteria: Invitae Variant Classification Sherloc (09022015). Collection method: clinical testing. Allele origin: germline.
Comment: This sequence change replaces arginine, which is basic and polar, with histidine, which is basic and polar, at codon 46 of the ADAMTS10 protein (p.Arg46His). The frequency data for this variant in the population databases is considered unreliable, as metrics indicate poor data quality at this position in the gnomAD database. This variant has not been reported in the literature in individuals affected with ADAMTS10-related conditions. ClinVar contains an entry for this variant (Variation ID: 1466003). An algorithm developed to predict the effect of missense changes on protein structure and function (PolyPhen-2) suggests that this variant is likely to be disruptive. In summary, the available evidence is currently insufficient to determine the role of this variant in disease. Therefore, it has been classified as a Variant of Uncertain Significance.

Ambry Genetics
Classification: Uncertain significance for Inborn genetic diseases. Last evaluated: 2024-09-26. Review status: criteria provided, single submitter. Criteria: Ambry Variant Classification Scheme 2023. Collection method: clinical testing. Allele origin: germline.